The following is an entry in ClinVar:

ClinVar aggregate classification (germline): Likely benign. Review status: criteria provided, multiple submitters, no conflicts (2 of 4 stars). 2 submissions from 2 submitters: Likely benign (2). Last evaluated 2025-10-08.

Conditions:
MCPH1-related disorder. Also called: MCPH1-related condition.

Submissions (2):

Labcorp Genetics (formerly Invitae), Labcorp
Classification: Likely benign. Last evaluated: 2025-10-08. Review status: criteria provided, single submitter. Criteria: Invitae Variant Classification Sherloc (09022015). Collection method: clinical testing. Allele origin: germline.

PreventionGenetics, part of Exact Sciences
Classification: Likely benign for MCPH1-related condition. Last evaluated: 2024-12-04. Review status: criteria provided, single submitter. Criteria: ACMG Guidelines, 2015. Collection method: clinical testing. Allele origin: germline.
Comment: This variant is classified as likely benign based on ACMG/AMP sequence variant interpretation guidelines (Richards et al. 2015 PMID: 25741868, with internal and published modifications).

NM_024596.5(MCPH1):c.538T>C (p.Leu180=)

Gene: MCPH1 (microcephalin 1; plus strand). Cytogenetic location: 8p23.1.
Variant type: single nucleotide variant.
Coding change: c.538T>C on transcript NM_024596.5 (MANE Select); coding-DNA position 538, T replaced by C.
Protein change: p.Leu180=; no amino-acid change (leucine 180 retained).
Molecular consequence: synonymous variant. On other transcripts: non-coding transcript variant (1), intron variant (1).
Genome position (GRCh38, 1-based): chr8:6,439,054, T>C. VCF-style: chr8-6439054-T-C. GRCh37 (hg19) VCF-style: chr8-6296575-T-C.
Other names: c.538T>C (NM_001322042.1); c.538T>C, p.Leu180= (NM_001172574.2, NM_001322042.2, NM_001363979.1 and 3 more transcripts); c.532T>C, p.Leu178= (NM_001322043.2); c.436T>C, p.Leu146= (NM_001322045.2); c.436+2892T>C (NM_001172575.2).
Identifiers: ClinVar variation 4805108 (VCV004805108.2).